The following is an entry in ClinVar:

NM_005149.3(TBX19):c.288G>A (p.Thr96=)

Gene: TBX19 (T-box transcription factor 19; plus strand). Cytogenetic location: 1q24.2.
Variant type: single nucleotide variant.
Coding change: c.288G>A on transcript NM_005149.3 (MANE Select); coding-DNA position 288, G replaced by A.
Protein change: p.Thr96=; no amino-acid change (threonine 96 retained).
Molecular consequence: synonymous variant.
Genome position (GRCh38, 1-based): chr1:168,291,244, G>A. VCF-style: chr1-168291244-G-A. GRCh37 (hg19) VCF-style: chr1-168260482-G-A.
Identifiers: ClinVar variation 4848595 (VCV004848595.1).

ClinVar aggregate classification (germline): Likely pathogenic (1 of 4 stars; one submission).

Conditions:
Congenital isolated adrenocorticotropic hormone deficiency. Also called: ACTH DEFICIENCY, ISOLATED; ACTH deficiency; Adrenocorticotropic hormone deficiency. Identifiers: Orphanet 199296, MedGen C0342388, MONDO:0008720, OMIM 201400, HP:0011748.

gnomAD v4.1: 11 of 1,614,072 alleles (0.00068%); highest among the groups gnomAD compares: African/African-American, 0.0067%; no homozygotes.

Submission:

Women's Health and Genetics/Laboratory Corporation of America, LabCorp
Classification: Likely pathogenic for Congenital isolated adrenocorticotropic hormone deficiency. Last evaluated: 2026-04-14. Review status: criteria provided, single submitter. Criteria: LabCorp Variant Classification Summary - May 2015. Collection method: clinical testing. Allele origin: germline.
Comment: Variant summary: TBX19 c.288G>A alters a conserved nucleotide, resulting in a synonymous change. Several computational tools predict a significant impact on normal splicing: Four predict that the variant creates a 3' acceptor site. At least one publication reports experimental evidence that this variant affects mRNA splicing (Maudhoo_2021). The variant allele was found at a frequency of 8e-06 in 251410 control chromosomes. c.288G>A has been observed in an individual affected with Adrenocorticotropic Hormone Deficiency (Maudhoo_2021). These data indicate that the variant may be associated with disease. The following publication has been ascertained in the context of this evaluation (PMID: 34564059). No submitters have cited clinical significance assessments for this variant in ClinVar. Based on the evidence outlined above, the variant was classified as likely pathogenic.

Literature cited by the submitters: PubMed 34564059.